The following is an entry in ClinVar:

NM_015443.4(KANSL1):c.3020G>A (p.Arg1007Gln)

Gene: KANSL1 (KAT8 regulatory NSL complex subunit 1). Cytogenetic location: 17q21.31.
Variant type: single nucleotide variant.
Coding change: c.3020G>A on transcript NM_015443.4 (MANE Select); coding-DNA position 3020, G replaced by A.
Protein change: p.Arg1007Gln; replaces arginine 1007 with glutamine.
Molecular consequence: missense variant.
Genome position (GRCh38, 1-based): chr17:46,032,117, C>T on the plus strand (G>A on the coding strand, the complement: KANSL1 is on the minus strand). VCF-style: chr17-46032117-C-T. GRCh37 (hg19) VCF-style: chr17-44109483-C-T.
Other names: c.3020G>A (NM_001193466.1); c.3017G>A, p.Arg1006Gln (NM_001193465.2); c.3020G>A, p.Arg1007Gln (NM_001193466.2, NM_001379198.1); short protein forms R1006Q, R1007Q.
Identifiers: ClinVar variation 1502444 (VCV001502444.9), dbSNP rs148203818, ClinGen allele CA8618403.

ClinVar aggregate classification (germline): Uncertain significance. Review status: criteria provided, multiple submitters, no conflicts (2 of 4 stars). 2 submissions from 2 submitters: Uncertain significance (2). Last evaluated 2026-06-11.

Conditions:
Inborn genetic diseases. Identifiers: MedGen C0950123, MeSH D030342.
Koolen-de Vries syndrome (KDVS). Identifiers: Orphanet 96169, MedGen C1864871, MONDO:0012496, OMIM 610443.

Allele frequency attached by ClinVar (database versions not stated): gnomAD exomes below 0.00001; ExAC 0.00001; TOPMed 0.00002; gnomAD 0.00001; ESP Exome Variant Server 0.00008.
gnomAD v4.1: 5 of 1,613,912 alleles (0.00031%); highest among the groups gnomAD compares: East Asian, 0.0022%; no homozygotes.

Submissions (2):

Ambry Genetics
Classification: Uncertain significance for Inborn genetic diseases. Last evaluated: 2026-06-11. Review status: criteria provided, single submitter. Criteria: Ambry Variant Classification Scheme 2023. Collection method: clinical testing. Allele origin: germline.

Labcorp Genetics (formerly Invitae), Labcorp
Classification: Uncertain significance for Koolen-de Vries syndrome. Last evaluated: 2021-06-23. Review status: criteria provided, single submitter. Criteria: Invitae Variant Classification Sherloc (09022015). Collection method: clinical testing. Allele origin: germline.
Comment: In summary, the available evidence is currently insufficient to determine the role of this variant in disease. Therefore, it has been classified as a Variant of Uncertain Significance. This sequence change replaces arginine with glutamine at codon 1007 of the KANSL1 protein (p.Arg1007Gln). The arginine residue is highly conserved and there is a small physicochemical difference between arginine and glutamine. This variant is present in population databases (rs148203818, ExAC 0.002%). This variant has not been reported in the literature in individuals affected with KANSL1-related conditions. Algorithms developed to predict the effect of missense changes on protein structure and function are either unavailable or do not agree on the potential impact of this missense change (SIFT: "Deleterious"; PolyPhen-2: "Benign"; Align-GVGD: "Class C0"). Algorithms developed to predict the effect of sequence changes on RNA splicing suggest that this variant may create or strengthen a splice site.